The following is an entry in ClinVar:

ClinVar aggregate classification (germline): Uncertain significance (1 of 4 stars; one submission).

Conditions:
Inborn genetic diseases. Identifiers: MedGen C0950123, MeSH D030342.

Allele frequency attached by ClinVar (database versions not stated): gnomAD exomes below 0.00001.
gnomAD v4.1: 1 of 1,614,196 alleles (0.000062%); highest among the groups gnomAD compares: Non-Finnish European, 0.000085%; no homozygotes.

Submission:

Ambry Genetics
Classification: Uncertain significance for Inborn genetic diseases. Last evaluated: 2023-11-03. Review status: criteria provided, single submitter. Criteria: Ambry Variant Classification Scheme 2023. Collection method: clinical testing. Allele origin: germline.
Comment: The p.Q501H variant (also known as c.1503G>C), located in coding exon 16 of the ERCC2 gene, results from a G to C substitution at nucleotide position 1503. The glutamine at codon 501 is replaced by histidine, an amino acid with highly similar properties. This amino acid position is conserved. In addition, the in silico prediction for this alteration is inconclusive. Since supporting evidence is limited at this time, the clinical significance of this alteration remains unclear.

NM_000400.4(ERCC2):c.1503G>C (p.Gln501His)

Gene: ERCC2 (ERCC excision repair 2, TFIIH core complex helicase subunit; minus strand). Cytogenetic location: 19q13.32.
Variant type: single nucleotide variant.
Coding change: c.1503G>C on transcript NM_000400.4 (MANE Select); coding-DNA position 1503, G replaced by C.
Protein change: p.Gln501His; replaces glutamine 501 with histidine.
Molecular consequence: missense variant.
Genome position (GRCh38, 1-based): chr19:45,355,705, C>G on the plus strand (G>C on the coding strand, the complement: ERCC2 is on the minus strand). VCF-style: chr19-45355705-C-G. GRCh37 (hg19) VCF-style: chr19-45858963-C-G.
Other names: short protein forms Q501H.
Identifiers: ClinVar variation 3231649 (VCV003231649.1), dbSNP rs2123242084, ClinGen allele CA406365917.